The following is an entry in ClinVar:

NM_001457.4(FLNB):c.7510G>A (p.Ala2504Thr)

Genes: FLNB (filamin B; plus strand), FLNB-AS1 (FLNB antisense RNA 1; minus strand). Cytogenetic location: 3p14.3.
Variant type: single nucleotide variant.
Coding change: c.7510G>A on transcript NM_001457.4 (MANE Select); coding-DNA position 7510, G replaced by A.
Protein change: p.Ala2504Thr; replaces alanine 2504 with threonine.
Molecular consequence: missense variant.
Genome position (GRCh38, 1-based): chr3:58,169,682, G>A. VCF-style: chr3-58169682-G-A. GRCh37 (hg19) VCF-style: chr3-58155409-G-A.
Other names: c.7603G>A, p.Ala2535Thr (NM_001164317.2); c.7477G>A, p.Ala2493Thr (NM_001164318.2); c.7438G>A, p.Ala2480Thr (NM_001164319.2); short protein forms A2480T, A2493T, A2504T, A2535T.
Identifiers: ClinVar variation 1121044 (VCV001121044.10), dbSNP rs148364272, ClinGen allele CA2469710.

ClinVar aggregate classification (germline): Conflicting classifications of pathogenicity. Review status: criteria provided, conflicting classifications (1 of 4 stars). 2 submissions from 2 submitters: Uncertain significance (1); Likely benign (1). Last evaluated 2025-11-18.

Allele frequency attached by ClinVar (database versions not stated): gnomAD exomes 0.00006 and 0.00011; ExAC 0.00012; 1000 Genomes Project 30x 0.00031; gnomAD 0.00037 and 0.00042; 1000 Genomes Project 0.00040; TOPMed 0.00043; ESP Exome Variant Server 0.00054.
gnomAD v4.1: 139 of 1,614,062 alleles (0.0086%); highest among the groups gnomAD compares: African/African-American, 0.14%; no homozygotes.

Submissions (2):

Labcorp Genetics (formerly Invitae), Labcorp
Classification: Likely benign. Last evaluated: 2025-11-18. Review status: criteria provided, single submitter. Criteria: Invitae Variant Classification Sherloc (09022015). Collection method: clinical testing. Allele origin: germline.

GeneDx
Classification: Uncertain significance. Last evaluated: 2021-06-16. Review status: criteria provided, single submitter. Criteria: GeneDx Variant Classification Process June 2021. Collection method: clinical testing. Allele origin: germline. Affected: yes.
Comment: In silico analysis, which includes protein predictors and evolutionary conservation, supports that this variant does not alter protein structure/function; Has not been previously published as pathogenic or benign to our knowledge; This variant is associated with the following publications: (PMID: 27535533)